The following is an entry in ClinVar:

ClinVar aggregate classification (germline): Uncertain significance (1 of 4 stars; one submission).

Allele frequency attached by ClinVar (database versions not stated): TOPMed below 0.00001; gnomAD 0.00001; ExAC 0.00002; gnomAD exomes 0.00003.
gnomAD v4.1: 41 of 1,613,460 alleles (0.0025%); highest among the groups gnomAD compares: Non-Finnish European, 0.0032%; no homozygotes.

Submission:

Labcorp Genetics (formerly Invitae), Labcorp
Classification: Uncertain significance. Last evaluated: 2024-10-31. Review status: criteria provided, single submitter. Criteria: Invitae Variant Classification Sherloc (09022015). Collection method: clinical testing. Allele origin: germline.
Comment: This sequence change replaces arginine, which is basic and polar, with glutamine, which is neutral and polar, at codon 76 of the DNM1L protein (p.Arg76Gln). This variant is present in population databases (rs775172506, gnomAD 0.004%). This variant has not been reported in the literature in individuals affected with DNM1L-related conditions. ClinVar contains an entry for this variant (Variation ID: 2800865). An algorithm developed to predict the effect of missense changes on protein structure and function (PolyPhen-2) suggests that this variant is likely to be tolerated. In summary, the available evidence is currently insufficient to determine the role of this variant in disease. Therefore, it has been classified as a Variant of Uncertain Significance.

NM_012062.5(DNM1L):c.227G>A (p.Arg76Gln)

Gene: DNM1L (dynamin 1 like; plus strand). Cytogenetic location: 12p11.21.
Variant type: single nucleotide variant.
Coding change: c.227G>A on transcript NM_012062.5 (MANE Select); coding-DNA position 227, G replaced by A.
Protein change: p.Arg76Gln; replaces arginine 76 with glutamine.
Molecular consequence: missense variant.
Genome position (GRCh38, 1-based): chr12:32,701,539, G>A. VCF-style: chr12-32701539-G-A. GRCh37 (hg19) VCF-style: chr12-32854473-G-A.
Other names: c.227G>A, p.Arg76Gln (NM_001278463.2, NM_001278464.2, NM_001278465.2 and 3 more transcripts); c.22G>A, p.Gly8Arg (NM_001278466.2); short protein forms R76Q, G8R.
Identifiers: ClinVar variation 2800865 (VCV002800865.3), dbSNP rs775172506, ClinGen allele CA6507245.
Genomic context (GRCh38, chr12:32,701,539, plus strand): 5'-GAATTGTCACCCGGAGACCTCTCATTCTGCAACTGGTCCATGTTTCACAAGAAGATAAAC[G>A]GAAAACAACAGGAGAAGAAAATGGTAAATTTCAGATTTGAGATAATTATTTTACAGCTCT-3'
Protein context (NP_036192.2, residues 66-86): QLVHVSQEDK[Arg76Gln]KTTGEENGVE